The following is an entry in ClinVar:

ClinVar aggregate classification (germline): Uncertain significance. Review status: criteria provided, multiple submitters, no conflicts (2 of 4 stars). 2 submissions from 2 submitters: Uncertain significance (2). Last evaluated 2025-06-18.

Conditions:
Hereditary cancer-predisposing syndrome. Also called: Neoplastic Syndromes, Hereditary; Tumor predisposition; Hereditary neoplastic syndrome; Hereditary Cancer Syndrome. Identifiers: Orphanet 140162, MedGen C0027672, MeSH D009386, MONDO:0015356.

Submissions (2):

Labcorp Genetics (formerly Invitae), Labcorp
Classification: Uncertain significance. Last evaluated: 2025-06-18. Review status: criteria provided, single submitter. Criteria: Invitae Variant Classification Sherloc (09022015). Collection method: clinical testing. Allele origin: germline.
Comment: This sequence change replaces glutamic acid, which is acidic and polar, with glutamine, which is neutral and polar, at codon 135 of the MSH3 protein (p.Glu135Gln). This variant is not present in population databases (gnomAD no frequency). This variant has not been reported in the literature in individuals affected with MSH3-related conditions. ClinVar contains an entry for this variant (Variation ID: 1362514). An algorithm developed to predict the effect of missense changes on protein structure and function (PolyPhen-2) suggests that this variant is likely to be disruptive. In summary, the available evidence is currently insufficient to determine the role of this variant in disease. Therefore, it has been classified as a Variant of Uncertain Significance.

Ambry Genetics
Classification: Uncertain significance for Hereditary cancer-predisposing syndrome. Last evaluated: 2022-09-04. Review status: criteria provided, single submitter. Criteria: Ambry Variant Classification Scheme 2023. Collection method: clinical testing. Allele origin: germline.
Comment: The p.E135Q variant (also known as c.403G>C), located in coding exon 3 of the MSH3 gene, results from a G to C substitution at nucleotide position 403. The glutamic acid at codon 135 is replaced by glutamine, an amino acid with highly similar properties. This amino acid position is conserved. In addition, this alteration is predicted to be tolerated by in silico analysis. Since supporting evidence is limited at this time, the clinical significance of this alteration remains unclear.

NM_002439.5(MSH3):c.403G>C (p.Glu135Gln)

Gene: MSH3 (mutS homolog 3; plus strand). Cytogenetic location: 5q14.1.
Variant type: single nucleotide variant.
Coding change: c.403G>C on transcript NM_002439.5 (MANE Select); coding-DNA position 403, G replaced by C.
Protein change: p.Glu135Gln; replaces glutamic acid 135 with glutamine.
Molecular consequence: missense variant.
Genome position (GRCh38, 1-based): chr5:80,665,187, G>C. VCF-style: chr5-80665187-G-C. GRCh37 (hg19) VCF-style: chr5-79961006-G-C.
Other names: short protein forms E135Q.
Identifiers: ClinVar variation 1362514 (VCV001362514.10), dbSNP rs2112808739, ClinGen allele CA360263164.